The following is an entry in ClinVar:

NM_016335.6(PRODH):c.309G>T (p.Arg103Ser)

Gene: PRODH (proline dehydrogenase 1; minus strand). Cytogenetic location: 22q11.21.
Variant type: single nucleotide variant.
Coding change: c.309G>T on transcript NM_016335.6 (MANE Select); coding-DNA position 309, G replaced by T.
Protein change: p.Arg103Ser; replaces arginine 103 with serine.
Molecular consequence: missense variant. On other transcripts: 5 prime UTR variant (2).
Genome position (GRCh38, 1-based): chr22:18,931,163, C>A on the plus strand (G>T on the coding strand, the complement: PRODH is on the minus strand). VCF-style: chr22-18931163-C-A. GRCh37 (hg19) VCF-style: chr22-18918676-C-A.
Other names: c.-16G>T (NM_001195226.2, NM_001368250.2); short protein forms R103S.
Identifiers: ClinVar variation 2056289 (VCV002056289.5), dbSNP rs150288279, ClinGen allele CA10095472.

ClinVar aggregate classification (germline): Conflicting classifications of pathogenicity. Review status: criteria provided, conflicting classifications (1 of 4 stars). 2 submissions from 2 submitters: Uncertain significance (1); Likely benign (1). Last evaluated 2024-12-04.

Conditions:
Inborn genetic diseases. Identifiers: MedGen C0950123, MeSH D030342.
Proline dehydrogenase deficiency (HYRPRO1). Also called: PROLINE OXIDASE DEFICIENCY; Hyperprolinemia type 1. Identifiers: Orphanet 419, MedGen C0268529, MONDO:0009400, OMIM 239500.

Allele frequency attached by ClinVar (database versions not stated): ExAC 0.00011; ESP Exome Variant Server 0.00015; 1000 Genomes Project 0.00020.

Submissions (2):

Ambry Genetics
Classification: Likely benign for Inborn genetic diseases. Last evaluated: 2024-12-04. Review status: criteria provided, single submitter. Criteria: Ambry Variant Classification Scheme 2023. Collection method: clinical testing. Allele origin: germline.

Labcorp Genetics (formerly Invitae), Labcorp
Classification: Uncertain significance for Proline dehydrogenase deficiency. Last evaluated: 2024-01-24. Review status: criteria provided, single submitter. Criteria: Invitae Variant Classification Sherloc (09022015). Collection method: clinical testing. Allele origin: germline.
Comment: This sequence change replaces arginine, which is basic and polar, with serine, which is neutral and polar, at codon 103 of the PRODH protein (p.Arg103Ser). This variant is present in population databases (rs150288279, gnomAD 0.1%). This variant has not been reported in the literature in individuals affected with PRODH-related conditions. ClinVar contains an entry for this variant (Variation ID: 2056289). An algorithm developed to predict the effect of missense changes on protein structure and function (PolyPhen-2) suggests that this variant¬†is likely to be tolerated. In summary, the available evidence is currently insufficient to determine the role of this variant in disease. Therefore, it has been classified as a Variant of Uncertain Significance.

Literature cited by the submitters: PubMed 36413997 (cited by Ambry Genetics).